The following is an entry in ClinVar:

NM_021922.3(FANCE):c.59C>T (p.Ala20Val)

Genes: FANCE (FA complementation group E; plus strand), LOC129996245 (ATAC-STARR-seq lymphoblastoid silent region 17092; plus strand). Cytogenetic location: 6p21.31.
Variant type: single nucleotide variant.
Coding change: c.59C>T on transcript NM_021922.3 (MANE Select); coding-DNA position 59, C replaced by T.
Protein change: p.Ala20Val; replaces alanine 20 with valine.
Molecular consequence: missense variant.
Genome position (GRCh38, 1-based): chr6:35,452,604, C>T. VCF-style: chr6-35452604-C-T. GRCh37 (hg19) VCF-style: chr6-35420381-C-T.
Other names: short protein forms A20V.
Identifiers: ClinVar variation 1384658 (VCV001384658.6), dbSNP rs927154227, ClinGen allele CA137292284.

ClinVar aggregate classification (germline): Uncertain significance. Review status: criteria provided, multiple submitters, no conflicts (2 of 4 stars). 3 submissions from 3 submitters: Uncertain significance (3). Last evaluated 2025-01-30.

Conditions:
Fanconi anemia complementation group E (FANCE). Also called: FANCE-Related Fanconi Anemia. Identifiers: Orphanet 84, MedGen C3160739, MONDO:0010953, OMIM 600901.

Allele frequency attached by ClinVar (database versions not stated): gnomAD 0.00010.
gnomAD v4.1: 70 of 1,315,074 alleles (0.0053%); highest among the groups gnomAD compares: Non-Finnish European, 0.0063%; no homozygotes.

Submissions (3):

Labcorp Genetics (formerly Invitae), Labcorp
Classification: Uncertain significance for Fanconi anemia complementation group E. Last evaluated: 2025-01-30. Review status: criteria provided, single submitter. Criteria: Invitae Variant Classification Sherloc (09022015). Collection method: clinical testing. Allele origin: germline.
Comment: This sequence change replaces alanine, which is neutral and non-polar, with valine, which is neutral and non-polar, at codon 20 of the FANCE protein (p.Ala20Val). This variant is present in population databases (no rsID available, gnomAD 0.02%). This variant has not been reported in the literature in individuals affected with FANCE-related conditions. ClinVar contains an entry for this variant (Variation ID: 1384658). An algorithm developed to predict the effect of missense changes on protein structure and function outputs the following: PolyPhen-2: "Possibly Damaging". The valine amino acid residue is found in multiple mammalian species, which suggests that this missense change does not adversely affect protein function. In summary, the available evidence is currently insufficient to determine the role of this variant in disease. Therefore, it has been classified as a Variant of Uncertain Significance.

Fulgent Genetics
Classification: Uncertain significance for Fanconi anemia complementation group E. Last evaluated: 2022-04-07. Review status: criteria provided, single submitter. Criteria: ACMG Guidelines, 2015. Collection method: clinical testing. Allele origin: unknown.

Breakthrough Genomics
Classification: Uncertain significance. Review status: criteria provided, single submitter. Criteria: ACMG Guidelines, 2015. Collection method: not provided. Allele origin: germline. Inheritance: Autosomal recessive inheritance. Affected: yes.